The following is an entry in ClinVar:

ClinVar aggregate classification (germline): Uncertain significance. Review status: criteria provided, single submitter (1 of 4 stars). 2 submissions from 2 submitters: Uncertain significance (1). 1 of the submissions does not count toward it. Last evaluated 2021-12-01.

Allele frequency attached by ClinVar (database versions not stated): gnomAD 0.00003.
gnomAD v4.1: 35 of 1,613,474 alleles (0.0022%); highest among the groups gnomAD compares: Non-Finnish European, 0.0025%; no homozygotes.

Submissions (2):

Labcorp Genetics (formerly Invitae), Labcorp
Classification: Uncertain significance. Last evaluated: 2021-12-01. Review status: criteria provided, single submitter. Criteria: Invitae Variant Classification Sherloc (09022015). Collection method: clinical testing. Allele origin: germline.
Comment: This sequence change replaces threonine, which is neutral and polar, with isoleucine, which is neutral and non-polar, at codon 216 of the BEST1 protein (p.Thr216Ile). This variant is present in population databases (rs281865275, gnomAD 0.008%). In summary, the available evidence is currently insufficient to determine the role of this variant in disease. Therefore, it has been classified as a Variant of Uncertain Significance. Experimental studies have shown that this missense change does not substantially affect BEST1 function (PMID: 10453731). Advanced modeling of protein sequence and biophysical properties (such as structural, functional, and spatial information, amino acid conservation, physicochemical variation, residue mobility, and thermodynamic stability) performed at Invitae indicates that this missense variant is not expected to disrupt BEST1 protein function. ClinVar contains an entry for this variant (Variation ID: 99733). This missense change has been observed in individual(s) with age-related macular degeneration (PMID: 10453731).

Retina International
No classification provided. Review status: no classification provided. Collection method: not provided. Allele origin: not provided. Not counted in ClinVar's aggregate classification.

Literature cited by the submitters: PubMed 10453731 (cited by Labcorp Genetics (formerly Invitae), Labcorp).

NM_004183.4(BEST1):c.647C>T (p.Thr216Ile)

Gene: BEST1 (bestrophin 1; plus strand). Cytogenetic location: 11q12.3.
Variant type: single nucleotide variant.
Coding change: c.647C>T on transcript NM_004183.4 (MANE Select); coding-DNA position 647, C replaced by T.
Protein change: p.Thr216Ile; replaces threonine 216 with isoleucine.
Molecular consequence: missense variant. On other transcripts: non-coding transcript variant (1).
Genome position (GRCh38, 1-based): chr11:61,957,397, C>T. VCF-style: chr11-61957397-C-T. GRCh37 (hg19) VCF-style: chr11-61724869-C-T.
Other names: c.467C>T, p.Thr156Ile (NM_001139443.3, NM_001300786.2, NM_001300787.2); c.329C>T, p.Thr110Ile (NM_001363591.3); c.647C>T, p.Thr216Ile (NM_001363592.2); c.-529C>T (NM_001363593.3); short protein forms T216I, T156I, T110I.
Identifiers: ClinVar variation 99733 (VCV000099733.6), dbSNP rs281865275, ClinGen allele CA227792.